The following is an entry in ClinVar:

ClinVar aggregate classification (germline): Likely benign (1 of 4 stars; one submission).

gnomAD v4.1: 4 of 1,612,268 alleles (0.00025%); highest among the groups gnomAD compares: South Asian, 0.0044%; no homozygotes.

Submission:

CeGaT Center for Human Genetics Tuebingen
Classification: Likely benign. Last evaluated: 2023-04-01. Review status: criteria provided, single submitter. Criteria: CeGaT Center For Human Genetics Tuebingen Variant Classification Criteria Version 2. Collection method: clinical testing. Allele origin: germline. Affected: yes. Observed: 1 variant allele.
Comment: ANKRD26: BP4, BP7

NM_014915.3(ANKRD26):c.5106G>A (p.Gln1702=)

Gene: ANKRD26 (ankyrin repeat domain 26; minus strand). Cytogenetic location: 10p12.1.
Variant type: single nucleotide variant.
Coding change: c.5106G>A on transcript NM_014915.3 (MANE Select); coding-DNA position 5106, G replaced by A.
Protein change: p.Gln1702=; no amino-acid change (glutamine 1702 retained).
Molecular consequence: synonymous variant.
Genome position (GRCh38, 1-based): chr10:27,005,617, C>T on the plus strand (G>A on the coding strand, the complement: ANKRD26 is on the minus strand). VCF-style: chr10-27005617-C-T. GRCh37 (hg19) VCF-style: chr10-27294546-C-T.
Other names: c.5103G>A, p.Gln1701= (NM_001256053.2).
Identifiers: ClinVar variation 2640370 (VCV002640370.24), dbSNP rs1230375690, ClinGen allele CA468487063.